The following is an entry in ClinVar:

NM_178452.6(DNAAF1):c.93C>A (p.His31Gln)

Gene: DNAAF1 (dynein axonemal assembly factor 1; plus strand). Cytogenetic location: 16q24.1.
Variant type: single nucleotide variant.
Coding change: c.93C>A on transcript NM_178452.6 (MANE Select); coding-DNA position 93, C replaced by A.
Protein change: p.His31Gln; replaces histidine 31 with glutamine.
Molecular consequence: missense variant.
Genome position (GRCh38, 1-based): chr16:84,145,533, C>A. VCF-style: chr16-84145533-C-A. GRCh37 (hg19) VCF-style: chr16-84179138-C-A.
Other names: short protein forms H31Q.
Identifiers: ClinVar variation 959144 (VCV000959144.10), dbSNP rs780631154, ClinGen allele CA396938160.
Genomic context (GRCh38, chr16:84,145,533, plus strand): 5'-TGGTGCAGCAGAGCTGGATTGCGCGCAGGAGCCCGGCGTGGAGGAGTCTGCGGGTGACCA[C>A]GGGAGCGCAGGCCGAGGGGGCTGCAAGGAAGGTGCCGACTGCCCCCCAGGGAGGGCGGTG-3'
Protein context (NP_848547.4, residues 21-41): EPGVEESAGD[His31Gln]GSAGRGGCKE

ClinVar aggregate classification (germline): Uncertain significance (1 of 4 stars; one submission).

Conditions:
Primary ciliary dyskinesia. Also called: Ciliary dyskinesia. Identifiers: Orphanet 244, MedGen C0008780, MONDO:0016575, HP:0012265.

Submission:

Labcorp Genetics (formerly Invitae), Labcorp
Classification: Uncertain significance for Primary ciliary dyskinesia. Last evaluated: 2019-07-23. Review status: criteria provided, single submitter. Criteria: Invitae Variant Classification Sherloc (09022015). Collection method: clinical testing. Allele origin: germline.
Comment: This variant is not present in population databases (ExAC no frequency). This sequence change replaces histidine with glutamine at codon 31 of the DNAAF1 protein (p.His31Gln). The histidine residue is moderately conserved and there is a small physicochemical difference between histidine and glutamine. This variant has not been reported in the literature in individuals with DNAAF1-related conditions. In summary, the available evidence is currently insufficient to determine the role of this variant in disease. Therefore, it has been classified as a Variant of Uncertain Significance. Algorithms developed to predict the effect of missense changes on protein structure and function are either unavailable or do not agree on the potential impact of this missense change (SIFT: "Deleterious"; PolyPhen-2: "Probably Damaging"; Align-GVGD: "Class C0").